The following is an entry in ClinVar:

NM_177438.3(DICER1):c.3120A>C (p.Ile1040=)

Gene: DICER1 (dicer 1, ribonuclease III; minus strand). Cytogenetic location: 14q32.13.
Variant type: single nucleotide variant.
Coding change: c.3120A>C on transcript NM_177438.3 (MANE Select); coding-DNA position 3120, A replaced by C.
Protein change: p.Ile1040=; no amino-acid change (isoleucine 1040 retained).
Molecular consequence: synonymous variant. On other transcripts: non-coding transcript variant (6).
Genome position (GRCh38, 1-based): chr14:95,105,220, T>G on the plus strand (A>C on the coding strand, the complement: DICER1 is on the minus strand). VCF-style: chr14-95105220-T-G. GRCh37 (hg19) VCF-style: chr14-95571557-T-G.
Other names: c.3120A>C, p.Ile1040= (NM_001195573.1, NM_001271282.3, NM_001291628.2 and 13 more transcripts); c.2838A>C, p.Ile946= (NM_001395686.1); c.2715A>C, p.Ile905= (NM_001395687.1, NM_001395688.1, NM_001395689.1 and 2 more transcripts); c.2553A>C, p.Ile851= (NM_001395691.1); c.1437A>C, p.Ile479= (NM_001395697.1).
Identifiers: ClinVar variation 1727859 (VCV001727859.10), dbSNP rs1195908211, ClinGen allele CA487626886.

ClinVar aggregate classification (germline): Likely benign. Review status: criteria provided, multiple submitters, no conflicts (2 of 4 stars). 2 submissions from 2 submitters: Likely benign (2). Last evaluated 2025-08-01.

Conditions:
Hereditary cancer-predisposing syndrome. Also called: Hereditary neoplastic syndrome; Tumor predisposition; Neoplastic Syndromes, Hereditary; Hereditary Cancer Syndrome. Identifiers: Orphanet 140162, MedGen C0027672, MeSH D009386, MONDO:0015356.

Submissions (2):

CeGaT Center for Human Genetics Tuebingen
Classification: Likely benign. Last evaluated: 2025-08-01. Review status: criteria provided, single submitter. Criteria: CeGaT Center For Human Genetics Tuebingen Variant Classification Criteria Version 2. Collection method: clinical testing. Allele origin: germline. Affected: yes. Observed: 1 variant allele.
Comment: DICER1: PM2:Supporting, BP4, BP7

Ambry Genetics
Classification: Likely benign for Hereditary cancer-predisposing syndrome. Last evaluated: 2021-10-05. Review status: criteria provided, single submitter. Criteria: Ambry Variant Classification Scheme 2023. Collection method: clinical testing. Allele origin: germline.